The following is an entry in ClinVar:

NC_000001.10:g.(?_24146990)_(24151915_?)del

Gene: HMGCL (3-hydroxy-3-methylglutaryl-CoA lyase; minus strand). Cytogenetic location: 1p36.11.
Variant type: Deletion.
Identifiers: ClinVar variation 2422559 (VCV002422559.3).

ClinVar aggregate classification (germline): Pathogenic (1 of 4 stars; one submission).

Conditions:
Deficiency of hydroxymethylglutaryl-CoA lyase (HMGCLD). Also called: Defect in leucine metabolism; 3-hydroxy-3-methylglutaric aciduria; HMGCL DEFICIENCY; HYDROXYMETHYLGLUTARIC ACIDURIA; HMG-CoA LYASE DEFICIENCY. Identifiers: Orphanet 20, MedGen C1533587, MONDO:0009520, OMIM 246450.

Submission:

Labcorp Genetics (formerly Invitae), Labcorp
Classification: Pathogenic for Deficiency of hydroxymethylglutaryl-CoA lyase. Last evaluated: 2022-05-13. Review status: criteria provided, single submitter. Criteria: Invitae Variant Classification Sherloc (09022015). Collection method: clinical testing. Allele origin: germline.
Comment: This variant is a gross deletion of the genomic region encompassing exon(s) 1-2 of the HMGCL gene, which includes the initiator codon. This deletion extends beyond the assayed region for this gene and therefore may encompass additional genes. It is expected to result in an absent or disrupted protein product. Loss-of-function variants in HMGCL are known to be pathogenic (PMID: 9817922, 17692550, 23465862). This variant has not been reported in the literature in individuals affected with HMGCL-related conditions. For these reasons, this variant has been classified as Pathogenic.

Literature cited by the submitters: PubMed 9817922; PubMed 17692550; PubMed 23465862.